The following is an entry in ClinVar:

ClinVar aggregate classification (germline): Uncertain significance. Review status: reviewed by expert panel (3 of 4 stars). 3 submissions from 3 submitters: Uncertain significance (1). 2 of the submissions do not count toward it. Last evaluated 2024-08-27.

Conditions:
Mitochondrial disease. Also called: Mitochondrial disorder; Mitochondrial disorders. Identifiers: Orphanet 68380, MedGen C0751651, MeSH D028361, MONDO:0044970.
MELAS syndrome (MELAS). Also called: Juvenile myopathy, encephalopathy, lactic acidosis, stroke. Identifiers: Orphanet 550, MedGen C0162671, MONDO:0010789, OMIM 540000.

Submissions (3):

ClinGen Mitochondrial Disease Nuclear and Mitochondrial  Variant Curation Expert Panel, ClinGen
Classification: Uncertain significance for Mitochondrial disease. Last evaluated: 2024-08-27. Review status: reviewed by expert panel. Criteria: clingen mito disease acmg specifications v1-1. Collection method: curation. Allele origin: germline. Inheritance: Mitochondrial inheritance.
Comment: The m.8362T>G variant in MT-TK has been reported in two individuals with primary mitochondrial disease (PMIDs: 11335700, 23847141). Muscle biopsy showed numerous ragged red and COX-negative fibers. The variant was present in muscle at 67% heteroplasmy (PMID: 11335700). The variant was described as heteroplasmic but tissue and heteroplasmy level were not provided (PMID: 23847141). An additional two families were known to members of this expert panel, however limited phenotypic details were provided so these cases are not included as part of this curation. This variant is absent in the GenBank dataset and gnomAD v3.1.2, and there is one heteroplasmic occurrence in the Helix dataset (PM2_supporting). MitoTIP predicts the variant is likely pathogenic (93 percentile) and HmtVAR predicts the variant is pathogenic (score of 0.75; PP3). Single fiber testing showed higher levels of the variant in COX-negative fibers (79.3%, range 75.4-83.3, n=12) than in COX-positive fibers (49.3%, range 33.2-65.4, n=13) p<0.001 (PS3_supporting, PMID: 11335700). In summary, this variant meets criteria to be classified as uncertain significance for primary mitochondrial disease inherited in a mitochondrial manner. This classification was approved by the NICHD/NINDS U24 ClinGen Mitochondrial Disease Variant Curation Expert Panel on August 27, 2024. Mitochondrial DNA-specific ACMG/AMP criteria applied (PMID: 32906214): PM2_supporting, PP3, PS3_supporting.

Mendelics
Classification: Pathogenic for MELAS syndrome. Last evaluated: 2022-05-04. Review status: criteria provided, single submitter. Criteria: Mendelics Assertion Criteria 2019. Collection method: clinical testing. Allele origin: germline. Not counted in ClinVar's aggregate classification.

Wong Mito Lab, Molecular and Human Genetics, Baylor College of Medicine
Classification: Pathogenic for MELAS syndrome. Last evaluated: 2019-07-12. Review status: criteria provided, single submitter. Criteria: Modified ACMG Guidelines (Unpublished). Collection method: clinical testing. Allele origin: germline. Not counted in ClinVar's aggregate classification.
Comment: The NC_012920.1:m.8362T>G variant in MT-TK gene is interpreted to be a Pathogenic variant based on the modified ACMG guidelines (unpublished). This variant meets the following evidence codes reported in the guidelines: PS3, PM7, PM9, PP4, PP6

Literature cited by the submitters: PubMed 11335700 (cited by ClinGen Mitochondrial Disease Nuclear and Mitochondrial  Variant Curation Expert Panel, ClinGen and Wong Mito Lab, Molecular and Human Genetics, Baylor College of Medicine); PubMed 31965079 (cited by Wong Mito Lab, Molecular and Human Genetics, Baylor College of Medicine); PubMed 15100439 (cited by Wong Mito Lab, Molecular and Human Genetics, Baylor College of Medicine).

NC_012920.1(MT-TK):m.8362T>G

Gene: MT-TK (mitochondrially encoded tRNA lysine; plus strand).
Variant type: single nucleotide variant.
Genome position: chrM-8362-T-G.
Identifiers: ClinVar variation 690084 (VCV000690084.3), dbSNP rs1603221423, ClinGen allele CA913179100.